The following is an entry in ClinVar:

NM_000138.5(FBN1):c.8471C>A (p.Ala2824Asp)

Gene: FBN1 (fibrillin 1; minus strand). Cytogenetic location: 15q21.1.
Variant type: single nucleotide variant.
Coding change: c.8471C>A on transcript NM_000138.5 (MANE Select); coding-DNA position 8471, C replaced by A.
Protein change: p.Ala2824Asp; replaces alanine 2824 with aspartic acid.
Molecular consequence: missense variant.
Genome position (GRCh38, 1-based): chr15:48,411,135, G>T on the plus strand (C>A on the coding strand, the complement: FBN1 is on the minus strand). VCF-style: chr15-48411135-G-T. GRCh37 (hg19) VCF-style: chr15-48703332-G-T.
Other names: short protein forms A2824D.
Identifiers: ClinVar variation 406357 (VCV000406357.9), dbSNP rs1060501084, ClinGen allele CA16614619.

ClinVar aggregate classification (germline): Uncertain significance. Review status: criteria provided, multiple submitters, no conflicts (2 of 4 stars). 2 submissions from 2 submitters: Uncertain significance (2). Last evaluated 2026-04-11.

Conditions:
Familial thoracic aortic aneurysm and aortic dissection (TAAD). Also called: Thoracic aortic aneurysms and dissections. Identifiers: Orphanet 91387, MedGen C4707243, MONDO:0019625.
Marfan syndrome (MFS). Also called: Marfan syndrome, classic; Marfan syndrome type 1; Marfan's syndrome; MARFAN SYNDROME, TYPE I; FBN1-Related Marfan Syndrome. Identifiers: Orphanet 284963, Orphanet 558, MedGen C0024796, MONDO:0007947, OMIM 154700.

Submissions (2):

Ambry Genetics
Classification: Uncertain significance for Familial thoracic aortic aneurysm and aortic dissection. Last evaluated: 2026-04-11. Review status: criteria provided, single submitter. Criteria: Ambry Variant Classification Scheme 2023. Collection method: clinical testing. Allele origin: germline.

Labcorp Genetics (formerly Invitae), Labcorp
Classification: Uncertain significance for Marfan syndrome; Familial thoracic aortic aneurysm and aortic dissection. Last evaluated: 2022-03-05. Review status: criteria provided, single submitter. Criteria: Invitae Variant Classification Sherloc (09022015). Collection method: clinical testing. Allele origin: germline.
Comment: This sequence change replaces alanine, which is neutral and non-polar, with aspartic acid, which is acidic and polar, at codon 2824 of the FBN1 protein (p.Ala2824Asp). This variant is not present in population databases (gnomAD no frequency). This variant has not been reported in the literature in individuals affected with FBN1-related conditions. ClinVar contains an entry for this variant (Variation ID: 406357). Algorithms developed to predict the effect of missense changes on protein structure and function (SIFT, PolyPhen-2, Align-GVGD) all suggest that this variant is likely to be tolerated. In summary, the available evidence is currently insufficient to determine the role of this variant in disease. Therefore, it has been classified as a Variant of Uncertain Significance.